The following is an entry in ClinVar:

NM_177438.3(DICER1):c.5308G>C (p.Asp1770His)

Gene: DICER1 (dicer 1, ribonuclease III; minus strand). Cytogenetic location: 14q32.13.
Variant type: single nucleotide variant.
Coding change: c.5308G>C on transcript NM_177438.3 (MANE Select); coding-DNA position 5308, G replaced by C.
Protein change: p.Asp1770His; replaces aspartic acid 1770 with histidine.
Molecular consequence: missense variant.
Genome position (GRCh38, 1-based): chr14:95,093,944, C>G on the plus strand (G>C on the coding strand, the complement: DICER1 is on the minus strand). VCF-style: chr14-95093944-C-G. GRCh37 (hg19) VCF-style: chr14-95560281-C-G.
Other names: NM_177438.3(DICER1):c.5308G>C; p.Asp1770His; c.5308G>C, p.Asp1770His (NM_001195573.1, NM_001271282.3, NM_001291628.2 and 1 more transcripts); short protein forms D1770H.
Identifiers: ClinVar variation 825630 (VCV000825630.17), dbSNP rs1595329576, ClinGen allele CA390864985.
Genomic context (GRCh38, chr14:95,093,944, plus strand): 5'-TAACCTCAGAATCCATTCCTTGCATTTCATTCTTCTCAAGCTGAAACTGCACAAAGTCAT[C>G]AATGACATGGAAGAGCTCAGGAGAGACAGCTTTGAAGTACTTGTGGTAGTCGTACTTTAC-3'
Protein context (NP_803187.1, residues 1760-1780): AVSPELFHVI[Asp1770His]DFVQFQLEKN

ClinVar aggregate classification (germline): Uncertain significance. Review status: reviewed by expert panel (3 of 4 stars). 4 submissions from 4 submitters: Uncertain significance (1). 3 of the submissions do not count toward it. Last evaluated 2025-08-26.

Conditions:
DICER1-related tumor predisposition. Also called: DICER1-related pleuropulmonary blastoma cancer predisposition syndrome; DICER1 syndrome. Identifiers: Orphanet 284343, MedGen C3839822, MONDO:0100216.
Hereditary cancer-predisposing syndrome. Also called: Neoplastic Syndromes, Hereditary; Tumor predisposition; Hereditary Cancer Syndrome; Hereditary neoplastic syndrome. Identifiers: Orphanet 140162, MedGen C0027672, MeSH D009386, MONDO:0015356.

Allele frequency attached by ClinVar (database versions not stated): gnomAD exomes below 0.00001.
gnomAD v4.1: 1 of 1,614,160 alleles (0.000062%); highest among the groups gnomAD compares: Non-Finnish European, 0.000085%; no homozygotes.

Submissions (4):

ClinGen DICER1 and miRNA-Processing Gene Variant Curation Expert Panel, ClinGen
Classification: Uncertain significance for DICER1-related tumor predisposition. Last evaluated: 2025-08-26. Review status: reviewed by expert panel. Criteria: ClinGen DICER1 ACMG Specifications DICER1 V1.4.0. Collection method: curation. Allele origin: germline. Inheritance: Autosomal dominant inheritance.
Comment: The NM_177438.2:c.5308G>C variant in DICER1 is a missense variant predicted to cause substitution of aspartic acid by histidine at amino acid 1770 (p.Asp1770His). Although this variant has been observed in individuals undergoing genetic sequencing, to our knowledge, this variant has not been reported in individuals with DICER1-related tumor predisposition (PS4 not met; Internal lab contributors). This variant has an allele frequency of 6.195e-7 (1/1614160 alleles) across gnomAD v4.1.0 with no more than one allele in any subpopulation, which is lower than the ClinGen DICER1 VCEP threshold (<0.000005) for PM2_Supporting, and therefore meets this criterion (PM2_Supporting). The computational predictor REVEL gives a score of 0.492, which is below the threshold of 0.5, and the splice site predictors MaxEntScan and SpliceAI indicate that the variant has no impact on splicing, evidence that does not predict a damaging effect on DICER1 function (BP4). This variant resides within the RNase IIIb domain of DICER1 (PM1_Supporting; PMID: 31342592). In summary, this variant meets the criteria to be classified as Uncertain Significance for DICER1-related tumor predisposition based on the ACMG/AMP criteria applied, as specified by the ClinGen DICER1 VCEP: PM2_Supporting, BP4, PM1_Supporting. (Bayesian Points: 1, VCEP specifications version 1.4.0, 08/26/2025)

Labcorp Genetics (formerly Invitae), Labcorp
Classification: Uncertain significance for DICER1-related tumor predisposition. Last evaluated: 2025-06-27. Review status: criteria provided, single submitter. Criteria: Invitae Variant Classification Sherloc (09022015). Collection method: clinical testing. Allele origin: germline. Not counted in ClinVar's aggregate classification.
Comment: This sequence change replaces aspartic acid, which is acidic and polar, with histidine, which is basic and polar, at codon 1770 of the DICER1 protein (p.Asp1770His). This variant is not present in population databases (gnomAD no frequency). This variant has not been reported in the literature in individuals affected with DICER1-related conditions. ClinVar contains an entry for this variant (Variation ID: 825630). Invitae Evidence Modeling of protein sequence and biophysical properties (such as structural, functional, and spatial information, amino acid conservation, physicochemical variation, residue mobility, and thermodynamic stability) indicates that this missense variant is not expected to disrupt DICER1 protein function with a negative predictive value of 95%. In summary, the available evidence is currently insufficient to determine the role of this variant in disease. Therefore, it has been classified as a Variant of Uncertain Significance.

Blueprint Genetics
Classification: Uncertain significance. Last evaluated: 2022-11-14. Review status: criteria provided, single submitter. Criteria: ACMG Guidelines, 2015. Collection method: clinical testing. Allele origin: germline. Not counted in ClinVar's aggregate classification.

Ambry Genetics
Classification: Uncertain significance for Hereditary cancer-predisposing syndrome. Last evaluated: 2018-09-18. Review status: criteria provided, single submitter. Criteria: Ambry Variant Classification Scheme 2023. Collection method: clinical testing. Allele origin: germline. Not counted in ClinVar's aggregate classification.
Comment: The p.D1770H variant (also known as c.5308G>C), located in coding exon 23 of the DICER1 gene, results from a G to C substitution at nucleotide position 5308. The aspartic acid at codon 1770 is replaced by histidine, an amino acid with similar properties. This amino acid position is highly conserved in available vertebrate species. In addition, this alteration is predicted to be deleterious by in silico analysis. Since supporting evidence is limited at this time, the clinical significance of this alteration remains unclear.